The following is an entry in ClinVar:

NM_021975.4(RELA):c.1034-21_1034-20delinsGC

Gene: RELA (RELA proto-oncogene, NF-kB subunit; minus strand). Cytogenetic location: 11q13.1.
Variant type: Indel.
Coding change: c.1034-21_1034-20delinsGC on transcript NM_021975.4 (MANE Select); 21 bases into the intron before coding-DNA position 1034 through 20 bases into the intron before coding-DNA position 1034, CT replaced by GC.
Molecular consequence: intron variant.
Genome position (GRCh38, 1-based): chr11:65,655,020-65,655,021, AG replaced by GC on the plus strand (CT replaced by GC on the coding strand, the reverse complement: RELA is on the minus strand). VCF-style: chr11-65655020-AG-GC. GRCh37 (hg19) VCF-style: chr11-65422491-AG-GC.
Other names: c.941-21_941-20delinsGC (NM_001404662.1, NM_001404663.1); c.1007-21_1007-20delinsGC (NM_001404658.1); c.653-21_653-20delinsGC (NM_001404661.1); c.1025-21_1025-20delinsGC (NM_001145138.2); c.716-21_716-20delinsGC (NM_001404660.1); c.821-21_821-20delinsGC (NM_001404659.1); c.1034-228_1034-227delinsGC (NM_001243984.2); c.1034-21_1034-20delinsGC (NM_001243985.2); and 1 more.
Identifiers: ClinVar variation 4763429 (VCV004763429.1).

ClinVar aggregate classification (germline): Uncertain significance (1 of 4 stars; one submission).

Submission:

Labcorp Genetics (formerly Invitae), Labcorp
Classification: Uncertain significance. Last evaluated: 2025-02-03. Review status: criteria provided, single submitter. Criteria: Invitae Variant Classification Sherloc (09022015). Collection method: clinical testing. Allele origin: germline.
Comment: This sequence change falls in intron 10 of the RELA gene. It does not directly change the encoded amino acid sequence of the RELA protein. Information on the frequency of this variant in the gnomAD database is not available, as this variant may be reported differently in the database. This variant has not been reported in the literature in individuals affected with RELA-related conditions. Experimental studies and prediction algorithms are not available or were not evaluated, and the effect of this variant on mRNA splicing is currently unknown. In summary, the available evidence is currently insufficient to determine the role of this variant in disease. Therefore, it has been classified as a Variant of Uncertain Significance.